The following is an entry in ClinVar:

NM_000065.5(C6):c.2304del (p.Lys768fs)

Gene: C6 (complement C6; minus strand). Cytogenetic location: 5p13.1.
Variant type: Deletion.
Coding change: c.2304del on transcript NM_000065.5 (MANE Select); coding-DNA position 2304, one base deleted (A; older notation c.2304delA).
Protein change: p.Lys768fs; shifts the reading frame from lysine 768.
Molecular consequence: frameshift variant.
Genome position (GRCh38, 1-based): chr5:41,150,012, T deleted on the plus strand (A on the coding strand, the reverse complement: C6 is on the minus strand); the first of 4 consecutive T bases (chr5:41,150,012-41,150,015); deleting any one gives the same sequence. VCF-style (leftmost placement, unchanged base first): chr5-41150011-AT-A. GRCh37 (hg19) VCF-style: chr5-41150113-AT-A.
Other names: c.2304del, p.Lys768fs (NM_001115131.4); short protein forms K768fs.
Identifiers: ClinVar variation 2800265 (VCV002800265.3), dbSNP rs1468759946, ClinGen allele CA810654484.

ClinVar aggregate classification (germline): Pathogenic (1 of 4 stars; one submission).

Submission:

Labcorp Genetics (formerly Invitae), Labcorp
Classification: Pathogenic. Last evaluated: 2025-04-28. Review status: criteria provided, single submitter. Criteria: Invitae Variant Classification Sherloc (09022015). Collection method: clinical testing. Allele origin: germline.
Comment: This sequence change creates a premature translational stop signal (p.Lys768Asnfs*2) in the C6 gene. It is expected to result in an absent or disrupted protein product. Loss-of-function variants in C6 are known to be pathogenic (PMID: 17257682). This variant is not present in population databases (gnomAD no frequency). This variant has not been reported in the literature in individuals affected with C6-related conditions. ClinVar contains an entry for this variant (Variation ID: 2800265). For these reasons, this variant has been classified as Pathogenic.

Literature cited by the submitters: PubMed 17257682.